The following is an entry in ClinVar:

ClinVar aggregate classification (germline): Uncertain significance (1 of 4 stars; one submission).

gnomAD v4.1: 3 of 1,579,458 alleles (0.00019%); highest among the groups gnomAD compares: Non-Finnish European, 0.00026%; no homozygotes.

Submission:

Labcorp Genetics (formerly Invitae), Labcorp
Classification: Uncertain significance. Last evaluated: 2025-08-10. Review status: criteria provided, single submitter. Criteria: Invitae Variant Classification Sherloc (09022015). Collection method: clinical testing. Allele origin: germline.
Comment: This sequence change replaces phenylalanine, which is neutral and non-polar, with valine, which is neutral and non-polar, at codon 1798 of the MTOR protein (p.Phe1798Val). This variant is not present in population databases (gnomAD no frequency). This variant has not been reported in the literature in individuals affected with MTOR-related conditions. Invitae Evidence Modeling of protein sequence and biophysical properties (such as structural, functional, and spatial information, amino acid conservation, physicochemical variation, residue mobility, and thermodynamic stability) indicates that this missense variant is not expected to disrupt MTOR protein function with a negative predictive value of 95%. In summary, the available evidence is currently insufficient to determine the role of this variant in disease. Therefore, it has been classified as a Variant of Uncertain Significance.

NM_004958.4(MTOR):c.5392T>G (p.Phe1798Val)

Gene: MTOR (mechanistic target of rapamycin kinase; minus strand). Cytogenetic location: 1p36.22.
Variant type: single nucleotide variant.
Coding change: c.5392T>G on transcript NM_004958.4 (MANE Select); coding-DNA position 5392, T replaced by G.
Protein change: p.Phe1798Val; replaces phenylalanine 1798 with valine.
Molecular consequence: missense variant.
Genome position (GRCh38, 1-based): chr1:11,130,750, A>C on the plus strand (T>G on the coding strand, the complement: MTOR is on the minus strand). VCF-style: chr1-11130750-A-C. GRCh37 (hg19) VCF-style: chr1-11190807-A-C.
Other names: c.5392T>G, p.Phe1798Val (NM_001386500.1); c.4144T>G, p.Phe1382Val (NM_001386501.1); short protein forms F1382V, F1798V.
Identifiers: ClinVar variation 4711280 (VCV004711280.1).